The following is an entry in ClinVar:

NM_001130438.3(SPTAN1):c.4038C>T (p.Ser1346=)

Gene: SPTAN1 (spectrin alpha, non-erythrocytic 1; plus strand). Cytogenetic location: 9q34.11.
Variant type: single nucleotide variant.
Coding change: c.4038C>T on transcript NM_001130438.3 (MANE Select); coding-DNA position 4038, C replaced by T.
Protein change: p.Ser1346=; no amino-acid change (serine 1346 retained).
Molecular consequence: synonymous variant.
Genome position (GRCh38, 1-based): chr9:128,605,469, C>T. VCF-style: chr9-128605469-C-T. GRCh37 (hg19) VCF-style: chr9-131367748-C-T.
Other names: c.4038C>T, p.Ser1346= (NM_001375311.2, NM_001375313.1, NM_003127.4 and 2 more transcripts); c.4074C>T, p.Ser1358= (NM_001375312.2, NM_001375318.1); c.3978C>T, p.Ser1326= (NM_001375314.2, NM_001195532.2, NM_001363765.2); c.4038C>T (NM_001130438.2).
Identifiers: ClinVar variation 1152285 (VCV001152285.11), dbSNP rs768542176, ClinGen allele CA5265093.

ClinVar aggregate classification (germline): Likely benign. Review status: criteria provided, multiple submitters, no conflicts (2 of 4 stars). 2 submissions from 2 submitters: Likely benign (2). Last evaluated 2026-02-05.

Conditions:
SPTAN1-related disorder. Also called: SPTAN1-related disorders; SPTAN1-related condition.
Early-infantile DEE. Also called: Early infantile epileptic encephalopathy; Ohtahara syndrome; Early infantile epileptic encephalopathy with suppression bursts. Identifiers: Orphanet 1934, MedGen C0393706, MONDO:0800491.

Allele frequency attached by ClinVar (database versions not stated): ExAC 0.00002; TOPMed 0.00002; gnomAD 0.00001; gnomAD exomes 0.00001.
gnomAD v4.1: 14 of 1,613,980 alleles (0.00087%); highest among the groups gnomAD compares: South Asian, 0.0055%; no homozygotes.

Submissions (2):

PreventionGenetics, part of Exact Sciences
Classification: Likely benign for SPTAN1-related condition. Last evaluated: 2026-02-05. Review status: criteria provided, single submitter. Criteria: ACMG Guidelines, 2015. Collection method: clinical testing. Allele origin: germline.
Comment: This variant is classified as likely benign based on ACMG/AMP sequence variant interpretation guidelines (Richards et al. 2015 PMID: 25741868, with internal and published modifications).

Labcorp Genetics (formerly Invitae), Labcorp
Classification: Likely benign for Early-infantile DEE. Last evaluated: 2025-10-10. Review status: criteria provided, single submitter. Criteria: Invitae Variant Classification Sherloc (09022015). Collection method: clinical testing. Allele origin: germline.